The following is an entry in ClinVar:

NM_175914.5(HNF4A):c.233G>A (p.Arg78Gln)

Gene: HNF4A (hepatocyte nuclear factor 4 alpha; plus strand). Cytogenetic location: 20q13.12.
Variant type: single nucleotide variant.
Coding change: c.233G>A on transcript NM_175914.5 (MANE Select); coding-DNA position 233, G replaced by A.
Protein change: p.Arg78Gln; replaces arginine 78 with glutamine.
Molecular consequence: missense variant.
Genome position (GRCh38, 1-based): chr20:44,407,389, G>A. VCF-style: chr20-44407389-G-A. GRCh37 (hg19) VCF-style: chr20-43036029-G-A.
Other names: NM_175914.5(HNF4A):c.233G>A; p.Arg78Gln; c.299G>A, p.Arg100Gln (NM_178850.3, NM_000457.6, NM_178849.3); c.233G>A, p.Arg78Gln (NM_001030003.3, NM_001030004.3); c.278G>A, p.Arg93Gln (NM_001258355.2); c.224G>A, p.Arg75Gln (NM_001287182.2, NM_001287183.2, NM_001287184.2); short protein forms R100Q, R78Q, R93Q, R75Q.
Identifiers: ClinVar variation 1350522 (VCV001350522.8), dbSNP rs371557531, ClinGen allele CA9870202.

ClinVar aggregate classification (germline): Uncertain significance. Review status: reviewed by expert panel (3 of 4 stars). 3 submissions from 3 submitters: Uncertain significance (1). 2 of the submissions do not count toward it. Last evaluated 2025-08-12.

Conditions:
Maturity-onset diabetes of the young type 1. Also called: MODY, type I; MODY type 1; Diabetes mellitus MODY type 1; MODY HNF4A related; HNF4A-Related Maturity-Onset Diabetes of the Young Type 1; MILD JUVENILE DIABETES MELLITUS. Identifiers: Orphanet 552, MedGen C1852093, MONDO:0007452, OMIM 125850. Disease mechanism: loss of function.
Type 2 diabetes mellitus. Also called: Type II diabetes mellitus. Identifiers: MedGen C0011860, MeSH D003924, MONDO:0005148, OMIM 125853, HP:0005978.
Fanconi renotubular syndrome 4 with maturity-onset diabetes of the young (FRTS4). Also called: FRTS4 WITH MODY. Identifiers: Orphanet 93111, MedGen C4014962, MONDO:0014458, OMIM 616026.
Monogenic diabetes. Identifiers: Orphanet 183625, MedGen C3888631, MONDO:0015967.

Allele frequency attached by ClinVar (database versions not stated): gnomAD exomes 0.00001; ExAC 0.00002; TOPMed 0.00003; gnomAD 0.00005; ESP Exome Variant Server 0.00015.
gnomAD v4.1: 20 of 1,609,764 alleles (0.0012%); highest among the groups gnomAD compares: African/African-American, 0.0067%; no homozygotes.

Submissions (3):

ClinGen Monogenic Diabetes Variant Curation Expert Panel
Classification: Uncertain significance for Monogenic diabetes. Last evaluated: 2025-08-12. Review status: reviewed by expert panel. Criteria: ClinGen Diabetes ACMG Specifications HNF4A V3.0.0. Collection method: curation. Allele origin: germline. Inheritance: Autosomal dominant inheritance.
Comment: The c.233G>A variant in the HNF4A gene causes an amino acid change of arginine to glutamine at codon 78 (p.(Arg78Gln)) of NM_175914.5. This variant has a Grpmax filtering allele frequency of 0.00002553 in gnomAD v4.1.0, which falls between ClinGen MDEP-established cutoffs for PM2_Supporting and BS1; thus, neither criterion will be applied. This variant is located within the DNA binding domain (codons 37-113) which is defined as critical for the protein’s function by the ClinGen MDEP (PM1_Supporting). This variant is predicted to be deleterious by computational evidence, with a REVEL score of 0.788, which is greater than the MDEP VCEP threshold of 0.70 (PP3). This variant was identified in an individual with diabetes; however, the calculated MODY probability is less than 50%, so PP4 cannot be applied (internal lab contributors). In summary, c.233G>A meets the criteria to be classified as a variant of uncertain significance for monogenic diabetes. ACMG/AMP criteria applied, as specified by the ClinGen MDEP (specification version 3.0.0, approved 6/30/2025): PM1_Supporting, PP3.

Labcorp Genetics (formerly Invitae), Labcorp
Classification: Uncertain significance. Last evaluated: 2024-03-12. Review status: criteria provided, single submitter. Criteria: Invitae Variant Classification Sherloc (09022015). Collection method: clinical testing. Allele origin: germline. Not counted in ClinVar's aggregate classification.
Comment: This sequence change replaces arginine, which is basic and polar, with glutamine, which is neutral and polar, at codon 78 of the HNF4A protein (p.Arg78Gln). This variant is present in population databases (rs371557531, gnomAD 0.009%). This missense change has been observed in individual(s) with clinical features of HNF4A-related conditions (PMID: 32041611). This variant is also known as c.299G>A (p.Arg100Gln). ClinVar contains an entry for this variant (Variation ID: 1350522). Advanced modeling of protein sequence and biophysical properties (such as structural, functional, and spatial information, amino acid conservation, physicochemical variation, residue mobility, and thermodynamic stability) has been performed at Invitae for this missense variant, however the output from this modeling did not meet the statistical confidence thresholds required to predict the impact of this variant on HNF4A protein function. In summary, the available evidence is currently insufficient to determine the role of this variant in disease. Therefore, it has been classified as a Variant of Uncertain Significance.

Fulgent Genetics
Classification: Uncertain significance for Maturity-onset diabetes of the young type 1; Type 2 diabetes mellitus; Fanconi renotubular syndrome 4 with maturity-onset diabetes of the young. Last evaluated: 2022-04-08. Review status: criteria provided, single submitter. Criteria: ACMG Guidelines, 2015. Collection method: clinical testing. Allele origin: unknown. Not counted in ClinVar's aggregate classification.

Literature cited by the submitters: PubMed 32041611 (cited by Labcorp Genetics (formerly Invitae), Labcorp).